The following is an entry in ClinVar:

ClinVar aggregate classification (germline): Pathogenic (1 of 4 stars; one submission).

Conditions:
Familial cancer of breast. Also called: hereditary breast carcinoma; BREAST CANCER, FAMILIAL; Hereditary breast cancer. Identifiers: Orphanet 227535, MedGen C0346153, MONDO:0016419, OMIM 114480. Disease mechanism: loss of function.

Submission:

Labcorp Genetics (formerly Invitae), Labcorp
Classification: Pathogenic for Familial cancer of breast. Last evaluated: 2025-04-30. Review status: criteria provided, single submitter. Criteria: Invitae Variant Classification Sherloc (09022015). Collection method: clinical testing. Allele origin: germline.
Comment: This sequence change creates a premature translational stop signal (p.Gln209Serfs*8) in the CHEK2 gene. It is expected to result in an absent or disrupted protein product. Loss-of-function variants in CHEK2 are known to be pathogenic (PMID: 21876083, 24713400). This variant is not present in population databases (gnomAD no frequency). This variant has not been reported in the literature in individuals affected with CHEK2-related conditions. RNA analysis performed to evaluate the impact of this premature translational stop signal on mRNA splicing indicates it does not significantly alter splicing (internal data). For these reasons, this variant has been classified as Pathogenic.

Literature cited by the submitters: PubMed 21876083; PubMed 24713400.

NM_007194.4(CHEK2):c.624del (p.Gln209fs)

Gene: CHEK2 (checkpoint kinase 2; minus strand). Cytogenetic location: 22q12.1.
Variant type: Deletion.
Coding change: c.624del on transcript NM_007194.4 (MANE Select); coding-DNA position 624, one base deleted (T; older notation c.624delT).
Protein change: p.Gln209fs; shifts the reading frame from glutamine 209.
Molecular consequence: frameshift variant. On other transcripts: 5 prime UTR variant (2), intron variant (1).
Genome position (GRCh38, 1-based): chr22:28,719,454, A deleted on the plus strand (T on the coding strand, the reverse complement: CHEK2 is on the minus strand). VCF-style (leftmost placement, unchanged base first): chr22-28719453-GA-G. GRCh37 (hg19) VCF-style: chr22-29115441-GA-G.
Other names: c.753del, p.Gln252fs (NM_001005735.3, NM_001438294.1); c.-40del (NM_001257387.3, NM_001437942.1); c.717del, p.Gln240fs (NM_001438293.1, NM_001438295.1); c.624del, p.Gln209fs (NM_145862.3); c.482+5432del (NM_001349956.3); short protein forms Q252fs, Q240fs, Q209fs.
Identifiers: ClinVar variation 4718637 (VCV004718637.1).